The following is an entry in ClinVar:

NM_000321.3(RB1):c.2138_2139del (p.Lys713fs)

Gene: RB1 (RB transcriptional corepressor 1; plus strand). Cytogenetic location: 13q14.2.
Variant type: Deletion.
Coding change: c.2138_2139del on transcript NM_000321.3 (MANE Select); coding-DNA positions 2138 to 2139, 2 bases deleted (AA; older notation c.2138_2139delAA).
Protein change: p.Lys713fs; shifts the reading frame from lysine 713.
Molecular consequence: frameshift variant.
Genome position (GRCh38, 1-based): chr13:48,463,762-48,463,763, AA deleted; deleting any 2 consecutive bases within chr13:48,463,761-48,463,763 gives the same sequence; the c. name uses the placement nearest the transcript's 3' end. VCF-style (leftmost placement, unchanged base first): chr13-48463760-CAA-C. GRCh37 (hg19) VCF-style: chr13-49037896-CAA-C.
Other names: c.2138_2139del, p.Lys713fs (NM_001407165.1); short protein forms K713fs.
Identifiers: ClinVar variation 2861468 (VCV002861468.3), dbSNP rs2542373602, ClinGen allele CA2739277616.

ClinVar aggregate classification (germline): Pathogenic (1 of 4 stars; one submission).

Conditions:
Retinoblastoma (RB1). Also called: RETINOBLASTOMA, SOMATIC. Identifiers: Orphanet 790, MedGen C0035335, MeSH D012175, MONDO:0008380, OMIM 180200, HP:0009919. Disease mechanism: loss of function. Inheritance: Both sporadic and heritable forms are tested..

Submission:

Labcorp Genetics (formerly Invitae), Labcorp
Classification: Pathogenic for Retinoblastoma. Last evaluated: 2023-06-23. Review status: criteria provided, single submitter. Criteria: Invitae Variant Classification Sherloc (09022015). Collection method: clinical testing. Allele origin: germline.
Comment: For these reasons, this variant has been classified as Pathogenic. This variant has not been reported in the literature in individuals affected with RB1-related conditions. This variant is not present in population databases (gnomAD no frequency). This sequence change creates a premature translational stop signal (p.Lys713Serfs*7) in the RB1 gene. It is expected to result in an absent or disrupted protein product. Loss-of-function variants in RB1 are known to be pathogenic (PMID: 17096365).

Literature cited by the submitters: PubMed 17096365.